The following is an entry in ClinVar:

NM_021224.6(ZNF462):c.3859G>A (p.Asp1287Asn)

Gene: ZNF462 (zinc finger protein 462; plus strand). Cytogenetic location: 9q31.2.
Variant type: single nucleotide variant.
Coding change: c.3859G>A on transcript NM_021224.6 (MANE Select); coding-DNA position 3859, G replaced by A.
Protein change: p.Asp1287Asn; replaces aspartic acid 1287 with asparagine.
Molecular consequence: missense variant. On other transcripts: intron variant (1).
Genome position (GRCh38, 1-based): chr9:106,927,771, G>A. VCF-style: chr9-106927771-G-A. GRCh37 (hg19) VCF-style: chr9-109690052-G-A.
Other names: c.3252+607G>A (NM_001347997.2); short protein forms D1287N.
Identifiers: ClinVar variation 2573601 (VCV002573601.1), dbSNP rs758035553, ClinGen allele CA5171732.

ClinVar aggregate classification (germline): Uncertain significance (1 of 4 stars; one submission).

Allele frequency attached by ClinVar (database versions not stated): ExAC 0.00001; gnomAD 0.00001; TOPMed 0.00002.
gnomAD v4.1: 10 of 1,613,944 alleles (0.00062%); highest among the groups gnomAD compares: Non-Finnish European, 0.00085%; no homozygotes.

Submission:

Women's Health and Genetics/Laboratory Corporation of America, LabCorp
Classification: Uncertain significance. Last evaluated: 2023-06-01. Review status: criteria provided, single submitter. Criteria: LabCorp Variant Classification Summary - May 2015. Collection method: clinical testing. Allele origin: germline.
Comment: Variant summary: ZNF462 c.3859G>A (p.Asp1287Asn) results in a conservative amino acid change located in the zinc finger C2H2-type region of the encoded protein sequence. Two of four in-silico tools predict a benign effect of the variant on protein function. The variant allele was found at a frequency of 4e-06 in 251422 control chromosomes. The available data on variant occurrences in the general population are insufficient to allow any conclusion about variant significance. To our knowledge, no occurrence of c.3859G>A in individuals affected with Weiss-Kruszka Syndrome and no experimental evidence demonstrating its impact on protein function have been reported. No clinical diagnostic laboratories have submitted clinical-significance assessments for this variant to ClinVar after 2014. Based on the evidence outlined above, the variant was classified as uncertain significance.